The following is an entry in ClinVar:

NM_005219.5(DIAPH1):c.1948A>G (p.Thr650Ala)

Gene: DIAPH1 (diaphanous related formin 1; minus strand). Cytogenetic location: 5q31.3.
Variant type: single nucleotide variant.
Coding change: c.1948A>G on transcript NM_005219.5 (MANE Select); coding-DNA position 1948, A replaced by G.
Protein change: p.Thr650Ala; replaces threonine 650 with alanine.
Molecular consequence: missense variant.
Genome position (GRCh38, 1-based): chr5:141,573,902, T>C on the plus strand (A>G on the coding strand, the complement: DIAPH1 is on the minus strand). VCF-style: chr5-141573902-T-C. GRCh37 (hg19) VCF-style: chr5-140953469-T-C.
Other names: c.1921A>G, p.Thr641Ala (NM_001079812.3); c.1948A>G, p.Thr650Ala (NM_001314007.2); short protein forms T650A, T641A.
Identifiers: ClinVar variation 1491004 (VCV001491004.6), dbSNP rs1158959492, ClinGen allele CA361519805.

ClinVar aggregate classification (germline): Uncertain significance (1 of 4 stars; one submission).

Conditions:
Autosomal dominant nonsyndromic hearing loss 1. Also called: DEAFNESS, AUTOSOMAL DOMINANT 1, WITH OR WITHOUT THROMBOCYTOPENIA; KONIGSMARK SYNDROME. Identifiers: Orphanet 90635, MedGen C1852282, MONDO:0007424, OMIM 124900.
Progressive microcephaly-seizures-cortical blindness-developmental delay syndrome. Also called: Seizures, cortical blindness, and microcephaly syndrome. Identifiers: Orphanet 477814, MedGen C5567650, MONDO:0014714, OMIM 616632.

Allele frequency attached by ClinVar (database versions not stated): gnomAD exomes below 0.00001 and 0.00002.
gnomAD v4.1: 6 of 1,535,300 alleles (0.00039%); highest among the groups gnomAD compares: Middle Eastern, 0.017%; no homozygotes.

Submission:

Labcorp Genetics (formerly Invitae), Labcorp
Classification: Uncertain significance for Progressive microcephaly-seizures-cortical blindness-developmental delay syndrome; Autosomal dominant nonsyndromic hearing loss 1. Last evaluated: 2023-05-22. Review status: criteria provided, single submitter. Criteria: Invitae Variant Classification Sherloc (09022015). Collection method: clinical testing. Allele origin: germline.
Comment: This variant is present in population databases (no rsID available, gnomAD 0.01%). In summary, the available evidence is currently insufficient to determine the role of this variant in disease. Therefore, it has been classified as a Variant of Uncertain Significance. Algorithms developed to predict the effect of missense changes on protein structure and function output the following: SIFT: "Not Available"; PolyPhen-2: "Not Available"; Align-GVGD: "Not Available". The alanine amino acid residue is found in multiple mammalian species, which suggests that this missense change does not adversely affect protein function. ClinVar contains an entry for this variant (Variation ID: 1491004). This variant has not been reported in the literature in individuals affected with DIAPH1-related conditions. This sequence change replaces threonine, which is neutral and polar, with alanine, which is neutral and non-polar, at codon 650 of the DIAPH1 protein (p.Thr650Ala).